The following is an entry in ClinVar:

NM_001122630.2(CDKN1C):c.881G>A (p.Gly294Asp)

Gene: CDKN1C (cyclin dependent kinase inhibitor 1C; minus strand). Cytogenetic location: 11p15.4.
Variant type: single nucleotide variant.
Coding change: c.881G>A on transcript NM_001122630.2 (MANE Select); coding-DNA position 881, G replaced by A.
Protein change: p.Gly294Asp; replaces glycine 294 with aspartic acid.
Molecular consequence: missense variant.
Genome position (GRCh38, 1-based): chr11:2,884,041, C>T on the plus strand (G>A on the coding strand, the complement: CDKN1C is on the minus strand). VCF-style: chr11-2884041-C-T. GRCh37 (hg19) VCF-style: chr11-2905271-C-T.
Other names: c.914G>A, p.Gly305Asp (NM_000076.2, NM_001362474.2); c.881G>A, p.Gly294Asp (NM_001122631.2); c.349G>A, p.Ala117Thr (NM_001362475.2); short protein forms G305D, A117T, G294D.
Identifiers: ClinVar variation 1444466 (VCV001444466.7), dbSNP rs962524119, ClinGen allele CA216366901.

ClinVar aggregate classification (germline): Uncertain significance (1 of 4 stars; one submission).

Conditions:
Beckwith-Wiedemann syndrome (BWS). Also called: EMG SYNDROME; Exomphalos macroglossia gigantism syndrome. Identifiers: Orphanet 116, MedGen C0004903, MONDO:0007534, OMIM 130650.

Submission:

Labcorp Genetics (formerly Invitae), Labcorp
Classification: Uncertain significance for Beckwith-Wiedemann syndrome. Last evaluated: 2022-09-01. Review status: criteria provided, single submitter. Criteria: Invitae Variant Classification Sherloc (09022015). Collection method: clinical testing. Allele origin: germline.
Comment: This sequence change replaces glycine, which is neutral and non-polar, with aspartic acid, which is acidic and polar, at codon 305 of the CDKN1C protein (p.Gly305Asp). In summary, the available evidence is currently insufficient to determine the role of this variant in disease. Therefore, it has been classified as a Variant of Uncertain Significance. Algorithms developed to predict the effect of missense changes on protein structure and function are either unavailable or do not agree on the potential impact of this missense change (SIFT: "Tolerated"; PolyPhen-2: "Not Available"; Align-GVGD: "Class C0"). ClinVar contains an entry for this variant (Variation ID: 1444466). This variant has not been reported in the literature in individuals affected with CDKN1C-related conditions. This variant is not present in population databases (gnomAD no frequency).